The following is an entry in ClinVar:

NM_006563.5(KLF1):c.733G>A (p.Gly245Ser)

Genes: KLF1 (KLF transcription factor 1; minus strand), LOC117125591 (CRISPRi-FlowFISH-validated PRDX2 and RAD23A regulatory element; plus strand). Cytogenetic location: 19p13.13.
Variant type: single nucleotide variant.
Coding change: c.733G>A on transcript NM_006563.5 (MANE Select); coding-DNA position 733, G replaced by A.
Protein change: p.Gly245Ser; replaces glycine 245 with serine.
Molecular consequence: missense variant.
Genome position (GRCh38, 1-based): chr19:12,885,497, C>T on the plus strand (G>A on the coding strand, the complement: KLF1 is on the minus strand). VCF-style: chr19-12885497-C-T. GRCh37 (hg19) VCF-style: chr19-12996311-C-T.
Other names: short protein forms G245S.
Identifiers: ClinVar variation 4800116 (VCV004800116.1).

ClinVar aggregate classification (germline): Uncertain significance (1 of 4 stars; one submission).

gnomAD v4.1: 2 of 1,599,130 alleles (0.00013%); highest among the groups gnomAD compares: African/African-American, 0.0013%; no homozygotes.

Submission:

Labcorp Genetics (formerly Invitae), Labcorp
Classification: Uncertain significance. Last evaluated: 2025-04-17. Review status: criteria provided, single submitter. Criteria: Invitae Variant Classification Sherloc (09022015). Collection method: clinical testing. Allele origin: germline.
Comment: This sequence change replaces glycine, which is neutral and non-polar, with serine, which is neutral and polar, at codon 245 of the KLF1 protein (p.Gly245Ser). This variant is not present in population databases (gnomAD no frequency). This variant has not been reported in the literature in individuals affected with KLF1-related conditions. Invitae Evidence Modeling of protein sequence and biophysical properties (such as structural, functional, and spatial information, amino acid conservation, physicochemical variation, residue mobility, and thermodynamic stability) indicates that this missense variant is not expected to disrupt KLF1 protein function with a negative predictive value of 80%. In summary, the available evidence is currently insufficient to determine the role of this variant in disease. Therefore, it has been classified as a Variant of Uncertain Significance.